The following is an entry in ClinVar:

NM_002838.5(PTPRC):c.3510-3T>C

Gene: PTPRC (protein tyrosine phosphatase receptor type C; plus strand). Cytogenetic location: 1q32.1.
Variant type: single nucleotide variant.
Coding change: c.3510-3T>C on transcript NM_002838.5 (MANE Select); 3 bases into the intron before coding-DNA position 3510, T replaced by C.
Molecular consequence: intron variant.
Genome position (GRCh38, 1-based): chr1:198,754,266, T>C. VCF-style: chr1-198754266-T-C. GRCh37 (hg19) VCF-style: chr1-198723395-T-C.
Other names: c.3027-3T>C (NM_080921.4).
Identifiers: ClinVar variation 380373 (VCV000380373.18), dbSNP rs142096878, ClinGen allele CA1315477.

ClinVar aggregate classification (germline): Likely benign. Review status: criteria provided, multiple submitters, no conflicts (2 of 4 stars). 4 submissions from 4 submitters: Likely benign (3). 1 of the submissions does not count toward it. Last evaluated 2026-01-26.

Conditions:
PTPRC-related disorder. Also called: PTPRC-related condition.
Immunodeficiency 104. Also called: Severe Combined Immune Deficiency, Autosomal Recessive, TCell -Negative, B Cell-Positive, NK Cell-Positive, IL7R-Related; Severe combined immunodeficiency, autosomal recessive, T cell-negative, B cell-positive, NK cell-positive; SCID, AUTOSOMAL RECESSIVE, T CELL-NEGATIVE, B CELL-POSITIVE, NK CELL-POSITIVE; IMMUNODEFICIENCY 104, SEVERE COMBINED. Identifiers: MedGen C5676890, MONDO:0012163, OMIM 608971.

Allele frequency attached by ClinVar (database versions not stated): gnomAD exomes 0.00033 and 0.00016; ExAC 0.00043; 1000 Genomes Project 30x 0.00078; 1000 Genomes Project 0.00080; ESP Exome Variant Server 0.00146; gnomAD 0.00154 and 0.00169; TOPMed 0.00172.
gnomAD v4.1: 465 of 1,607,198 alleles (0.029%); highest among the groups gnomAD compares: African/African-American, 0.58%; 2 homozygotes.

Submissions (4):

Labcorp Genetics (formerly Invitae), Labcorp
Classification: Likely benign for Immunodeficiency 104. Last evaluated: 2026-01-26. Review status: criteria provided, single submitter. Criteria: Invitae Variant Classification Sherloc (09022015). Collection method: clinical testing. Allele origin: germline.

Blueprint Genetics
Classification: Likely benign. Last evaluated: 2024-10-07. Review status: criteria provided, single submitter. Criteria: ACMG Guidelines, 2015. Collection method: clinical testing. Allele origin: germline.

GeneDx
Classification: Likely benign. Last evaluated: 2020-04-29. Review status: criteria provided, single submitter. Criteria: GeneDx Variant Classification Process June 2021. Collection method: clinical testing. Allele origin: germline. Affected: yes.

PreventionGenetics, part of Exact Sciences
Classification: Likely benign for PTPRC-related condition. Last evaluated: 2019-10-02. Review status: no assertion criteria provided. Collection method: clinical testing. Allele origin: germline. Not counted in ClinVar's aggregate classification.
Comment: This variant is classified as likely benign based on ACMG/AMP sequence variant interpretation guidelines (Richards et al. 2015 PMID: 25741868, with internal and published modifications).